The following is an entry in ClinVar:

NM_013266.4(CTNNA3):c.1299T>G (p.Cys433Trp)

Gene: CTNNA3 (catenin alpha 3; minus strand). Cytogenetic location: 10q21.3.
Variant type: single nucleotide variant.
Coding change: c.1299T>G on transcript NM_013266.4 (MANE Select); coding-DNA position 1299, T replaced by G.
Protein change: p.Cys433Trp; replaces cysteine 433 with tryptophan.
Molecular consequence: missense variant.
Genome position (GRCh38, 1-based): chr10:66,621,767, A>C on the plus strand (T>G on the coding strand, the complement: CTNNA3 is on the minus strand). VCF-style: chr10-66621767-A-C. GRCh37 (hg19) VCF-style: chr10-68381525-A-C.
Other names: c.1299T>G (NM_013266.2); c.1299T>G, p.Cys433Trp (NM_001127384.3); short protein forms C433W.
Identifiers: ClinVar variation 2917123 (VCV002917123.4), dbSNP rs1451007220, ClinGen allele CA377091710.

ClinVar aggregate classification (germline): Uncertain significance. Review status: criteria provided, multiple submitters, no conflicts (2 of 4 stars). 2 submissions from 2 submitters: Uncertain significance (2). Last evaluated 2025-12-08.

Conditions:
Arrhythmogenic right ventricular dysplasia 13. Also called: Arrhythmogenic right ventricular dysplasia, familial, 13; ARRHYTHMOGENIC RIGHT VENTRICULAR CARDIOMYOPATHY 13. Identifiers: MedGen C3810138, MONDO:0000908, OMIM 615616.

Allele frequency attached by ClinVar (database versions not stated): gnomAD 0.00001; TOPMed 0.00001.
gnomAD v4.1: 4 of 1,607,012 alleles (0.00025%); highest among the groups gnomAD compares: Non-Finnish European, 0.00025%; no homozygotes.

Submissions (2):

Labcorp Genetics (formerly Invitae), Labcorp
Classification: Uncertain significance for Arrhythmogenic right ventricular dysplasia 13. Last evaluated: 2025-12-08. Review status: criteria provided, single submitter. Criteria: Invitae Variant Classification Sherloc (09022015). Collection method: clinical testing. Allele origin: germline.
Comment: This sequence change replaces cysteine, which is neutral and slightly polar, with tryptophan, which is neutral and slightly polar, at codon 433 of the CTNNA3 protein (p.Cys433Trp). This variant is present in population databases (no rsID available, gnomAD 0.0009%). This variant has not been reported in the literature in individuals affected with CTNNA3-related conditions. ClinVar contains an entry for this variant (Variation ID: 2917123). Invitae Evidence Modeling of protein sequence and biophysical properties (such as structural, functional, and spatial information, amino acid conservation, physicochemical variation, residue mobility, and thermodynamic stability) indicates that this missense variant is not expected to disrupt CTNNA3 protein function with a negative predictive value of 80%. In summary, the available evidence is currently insufficient to determine the role of this variant in disease. Therefore, it has been classified as a Variant of Uncertain Significance.

Ambry Genetics
Classification: Uncertain significance. Last evaluated: 2025-05-18. Review status: criteria provided, single submitter. Criteria: Ambry Variant Classification Scheme 2023. Collection method: clinical testing. Allele origin: germline.
Comment: The p.C433W variant (also known as c.1299T>G), located in coding exon 9 of the CTNNA3 gene, results from a T to G substitution at nucleotide position 1299. The cysteine at codon 433 is replaced by tryptophan, an amino acid with highly dissimilar properties. This amino acid position is conserved. In addition, the in silico prediction for this alteration is inconclusive. Based on the available evidence, the clinical significance of this variant remains unclear.